The following is an entry in ClinVar:

ClinVar aggregate classification (germline): Uncertain significance. Review status: criteria provided, multiple submitters, no conflicts (2 of 4 stars). 2 submissions from 2 submitters: Uncertain significance (2). Last evaluated 2018-01-04.

Conditions:
Hereditary pulmonary alveolar proteinosis. Also called: Pulmonary surfactant metabolism dysfunction. Identifiers: Orphanet 264675, MedGen C3711368, MONDO:0012580.

Allele frequency attached by ClinVar (database versions not stated): ExAC 0.00004; gnomAD 0.00010 and 0.00013; ESP Exome Variant Server 0.00015; TOPMed 0.00018.
gnomAD v4.1: 46 of 1,613,936 alleles (0.0029%); highest among the groups gnomAD compares: African/African-American, 0.032%; 1 homozygote.

Submissions (2):

Eurofins Ntd Llc (ga)
Classification: Uncertain significance. Last evaluated: 2018-01-04. Review status: criteria provided, single submitter. Criteria: EGL Classification Definitions 2015. Collection method: clinical testing. Allele origin: germline. Observed: 1 variant allele, 1 heterozygote.

Ambry Genetics
Classification: Uncertain significance for Hereditary pulmonary alveolar proteinosis. Last evaluated: 2015-11-04. Review status: criteria provided, single submitter. Criteria: Ambry Variant Classification Scheme 2023. Collection method: clinical testing. Allele origin: germline.
Comment: The p.A230V variant (also known as c.689C>T), located in coding exon 5 of the ABCA3 gene, results from a C to T substitution at nucleotide position 689. The alanine at codon 230 is replaced by valine, an amino acid with similar properties. This variant was previously reported in the SNPDatabase as rs148507388. Based on data from the NHLBI Exome Sequencing Project (ESP), the T allele has an overall frequency of approximately 0.02% (2/12996) total alleles studied, having been observed in 0.05% (2/4396) African American alleles. This amino acid position is poorly conserved in available vertebrate species. In addition, the in silico prediction for this alteration is inconclusive. Since supporting evidence is limited at this time, the clinical significance of this variant remains unclear.

NM_001089.3(ABCA3):c.689C>T (p.Ala230Val)

Gene: ABCA3 (ATP binding cassette subfamily A member 3; minus strand). Cytogenetic location: 16p13.3.
Variant type: single nucleotide variant.
Coding change: c.689C>T on transcript NM_001089.3 (MANE Select); coding-DNA position 689, C replaced by T.
Protein change: p.Ala230Val; replaces alanine 230 with valine.
Molecular consequence: missense variant.
Genome position (GRCh38, 1-based): chr16:2,319,765, G>A on the plus strand (C>T on the coding strand, the complement: ABCA3 is on the minus strand). VCF-style: chr16-2319765-G-A. GRCh37 (hg19) VCF-style: chr16-2369766-G-A.
Other names: short protein forms A230V.
Identifiers: ClinVar variation 595597 (VCV000595597.7), dbSNP rs148507388, ClinGen allele CA7841550.
Genomic context (GRCh38, chr16:2,319,765, plus strand): 5'-AACGGCGGGTACGGGAACCTCTTGATGGTCACCGTCAGTCTCTGGAACAGCTGGCGTGTG[G>A]CGGCATCGGCATGGTACTCCATGATGGCCCGGTCCACAGCATGCTGCACGGCCAGGAAGC-3'
Protein context (NP_001080.2, residues 220-240): RAIMEYHADA[Ala230Val]TRQLFQRLTV